The following is an entry in ClinVar:

ClinVar aggregate classification (germline): Uncertain significance. Review status: criteria provided, multiple submitters, no conflicts (2 of 4 stars). 2 submissions from 2 submitters: Uncertain significance (2). Last evaluated 2016-03-29.

Allele frequency attached by ClinVar (database versions not stated): 1000 Genomes Project 30x 0.00031; 1000 Genomes Project 0.00040; TOPMed 0.00101; gnomAD 0.00102 and 0.00109; gnomAD exomes 0.00184.
gnomAD v4.1: 2,084 of 1,199,126 alleles (0.17%); highest among the groups gnomAD compares: Middle Eastern, 0.85%; 3 homozygotes.

Submissions (2):

Laboratory for Molecular Medicine, Mass General Brigham Personalized Medicine
Classification: Uncertain significance. Last evaluated: 2016-03-29. Review status: criteria provided, single submitter. Criteria: LMM Criteria. Collection method: clinical testing. Allele origin: germline.
Comment: Variant identified in a genome or exome case(s) and assessed due to predicted null impact of the variant or pathogenic assertions in the literature or databases. Disclaimer: This variant has not undergone full assessment. The following are preliminary notes: Outside ROI

Breakthrough Genomics
Classification: Uncertain significance. Review status: criteria provided, single submitter. Criteria: ACMG Guidelines, 2015. Collection method: not provided. Allele origin: germline. Inheritance: Autosomal recessive inheritance. Affected: yes.

NM_006785.4(MALT1):c.-35G>A

Genes: MALT1 (MALT1 paracaspase; plus strand), MALT1-AS1 (MALT1 antisense RNA 1; minus strand), LOC130062586 (ATAC-STARR-seq lymphoblastoid silent region 9487; plus strand). Cytogenetic location: 18q21.32.
Variant type: single nucleotide variant.
Coding change: c.-35G>A on transcript NM_006785.4 (MANE Select); 35 bases upstream of the start codon, G replaced by A.
Molecular consequence: 5 prime UTR variant. On other transcripts: non-coding transcript variant (1).
Genome position (GRCh38, 1-based): chr18:58,671,609, G>A. VCF-style: chr18-58671609-G-A. GRCh37 (hg19) VCF-style: chr18-56338841-G-A.
Other names: c.-35G>A (NM_173844.3).
Identifiers: ClinVar variation 403069 (VCV000403069.5), dbSNP rs545006385, ClinGen allele CA16609783.
Genomic context (GRCh38, chr18:58,671,609, plus strand): 5'-TCCGCGGCTCGGAGGCGAGCGGAAGGTGCCCCGGGGCCGAGGCCCGTGACGGGGCGGGCG[G>A]GAGCCCCGGCAGTCCGGGGTCGCCGGCGAGGGCCATGTCGCTGTTGGGGGACCCGCTACA-3'